The following is an entry in ClinVar:

ClinVar aggregate classification (germline): Pathogenic (1 of 4 stars; one submission).

Submission:

ARUP Laboratories, Molecular Genetics and Genomics, ARUP Laboratories
Classification: Pathogenic. Last evaluated: 2023-02-16. Review status: criteria provided, single submitter. Criteria: ARUP Molecular Germline Variant Investigation Process 2024. Collection method: clinical testing. Allele origin: germline.
Comment: The TSC1 c.2074del; p.Arg692GlufsTer32 variant is reported in the literature in an individual with a central nervous system cancer (Kim 2021). This variant is absent from the Genome Aggregation Database, indicating it is not a common polymorphism. This variant causes a frameshift by deleting a single nucleotide, so it is predicted to result in a truncated protein or mRNA subject to nonsense-mediated decay. Frameshift variants and other variants that introduce premature termination codons are responsible for the majority of TSC1 associated tuberous sclerosis (Curatolo 2015). Based on available information, this variant is considered to be pathogenic. References: Curatolo P et al. Genotype/Phenotype Correlations in Tuberous Sclerosis Complex. Semin Pediatr Neurol. 2015 Dec;22(4):259-73. PMID: 26706013. Kim J et al. Frequency of Pathogenic Germline Variants in Cancer-Susceptibility Genes in the Childhood Cancer Survivor Study. JNCI Cancer Spectr. 2021 Jan 23;5(2):pkab007. PMID: 34308104.

NM_000368.5(TSC1):c.2074del (p.Arg692fs)

Gene: TSC1 (TSC complex subunit 1; minus strand). Cytogenetic location: 9q34.13.
Variant type: Deletion.
Coding change: c.2074del on transcript NM_000368.5 (MANE Select); coding-DNA position 2074, one base deleted (C; older notation c.2074delC).
Protein change: p.Arg692fs; shifts the reading frame from arginine 692.
Molecular consequence: frameshift variant. On other transcripts: non-coding transcript variant (4).
Genome position (GRCh38, 1-based): chr9:132,903,785, G deleted on the plus strand (C on the coding strand, the reverse complement: TSC1 is on the minus strand); the first of 2 consecutive G bases (chr9:132,903,785-132,903,786); deleting either gives the same sequence. VCF-style (leftmost placement, unchanged base first): chr9-132903784-CG-C. GRCh37 (hg19) VCF-style: chr9-135779171-CG-C.
Other names: c.2071del, p.Arg691fs (NM_001162426.2, NM_001406597.1, NM_001406598.1 and 4 more transcripts); c.1921del, p.Arg641fs (NM_001162427.2, NM_001406610.1); c.1711del, p.Arg571fs (NM_001362177.2, NM_001406614.1, NM_001406615.1 and 5 more transcripts); c.2074del, p.Arg692fs (NM_001406592.1, NM_001406593.1, NM_001406594.1 and 5 more transcripts); c.2059del, p.Arg687fs (NM_001406601.1, NM_001406602.1); c.2056del, p.Arg686fs (NM_001406603.1, NM_001406604.1); c.1918del, p.Arg640fs (NM_001406611.1, NM_001406612.1, NM_001406613.1); c.1708del, p.Arg570fs (NM_001406620.1, NM_001406621.1, NM_001406622.1 and 2 more transcripts); and 3 more; short protein forms R571fs, R641fs, R686fs, R341fs, R570fs, R640fs, R374fs, R375fs.
Identifiers: ClinVar variation 2920872 (VCV002920872.1), dbSNP rs2538659178, ClinGen allele CA2695203326.